The following is an entry in ClinVar:

NM_018706.7(DHTKD1):c.628G>T (p.Ala210Ser)

Gene: DHTKD1 (dehydrogenase E1 and transketolase domain containing 1; plus strand). Cytogenetic location: 10p14.
Variant type: single nucleotide variant.
Coding change: c.628G>T on transcript NM_018706.7 (MANE Select); coding-DNA position 628, G replaced by T.
Protein change: p.Ala210Ser; replaces alanine 210 with serine.
Molecular consequence: missense variant.
Genome position (GRCh38, 1-based): chr10:12,087,640, G>T. VCF-style: chr10-12087640-G-T. GRCh37 (hg19) VCF-style: chr10-12129639-G-T.
Other names: short protein forms A210S.
Identifiers: ClinVar variation 785771 (VCV000785771.57), dbSNP rs146741810, ClinGen allele CA5407594.
Genomic context (GRCh38, chr10:12,087,640, plus strand): 5'-TATGGAGGCGAAGGGGCTGAAAGCATGATGGGCTTTTTCCACGAGCTGCTGAAAATGTCG[G>T]CCTACAGCGGGATCACTGATGTCATTATTGGGATGCCCCATAGAGGGAGGCTGAATTTAT-3'
Protein context (NP_061176.4, residues 200-220): GFFHELLKMS[Ala210Ser]YSGITDVIIG

ClinVar aggregate classification (germline): Benign/Likely benign. Review status: criteria provided, multiple submitters, no conflicts (2 of 4 stars). 8 submissions from 8 submitters: Benign (1); Likely benign (3). 4 of the submissions do not count toward it. Last evaluated 2026-07-01.

Conditions:
DHTKD1-related disorder. Also called: DHTKD1-related condition.
2-aminoadipic 2-oxoadipic aciduria (AAKAD). Also called: ALPHA-AMINOADIPIC AND ALPHA-KETOADIPIC ACIDURIA; Aminoadipic aciduria. Identifiers: Orphanet 79154, MedGen C1859817, MONDO:0008774, OMIM 204750.

Allele frequency attached by ClinVar (database versions not stated): 1000 Genomes Project 30x 0.00109; 1000 Genomes Project 0.00140; gnomAD 0.00247 and 0.00249; TOPMed 0.00248; ExAC 0.00293; ESP Exome Variant Server 0.00277; gnomAD exomes 0.00450 and 0.00291.
gnomAD v4.1: 6,841 of 1,614,084 alleles (0.42%); highest among the groups gnomAD compares: Non-Finnish European, 0.51%; 25 homozygotes.

Submissions (8):

CeGaT Center for Human Genetics Tuebingen
Classification: Likely benign. Last evaluated: 2026-07-01. Review status: criteria provided, single submitter. Criteria: CeGaT Center For Human Genetics Tuebingen Variant Classification Criteria Version 2. Collection method: clinical testing. Allele origin: germline. Affected: yes. Observed: 8 variant alleles.
Comment: DHTKD1: BP4, BS2

Labcorp Genetics (formerly Invitae), Labcorp
Classification: Likely benign for 2-aminoadipic 2-oxoadipic aciduria. Last evaluated: 2026-02-03. Review status: criteria provided, single submitter. Criteria: Invitae Variant Classification Sherloc (09022015). Collection method: clinical testing. Allele origin: germline.

ARUP Laboratories, Molecular Genetics and Genomics, ARUP Laboratories
Classification: Benign. Last evaluated: 2025-01-10. Review status: criteria provided, single submitter. Criteria: ARUP Molecular Germline Variant Investigation Process 2024. Collection method: clinical testing. Allele origin: germline.

Breakthrough Genomics
Classification: Likely benign. Review status: criteria provided, single submitter. Criteria: ACMG Guidelines, 2015. Collection method: not provided. Allele origin: germline. Inheritance: Autosomal recessive inheritance. Affected: yes.

PreventionGenetics, part of Exact Sciences
Classification: Likely benign for DHTKD1-related condition. Last evaluated: 2022-08-07. Review status: no assertion criteria provided. Collection method: clinical testing. Allele origin: germline. Not counted in ClinVar's aggregate classification.
Comment: This variant is classified as likely benign based on ACMG/AMP sequence variant interpretation guidelines (Richards et al. 2015 PMID: 25741868, with internal and published modifications).

Elsea Laboratory, Baylor College of Medicine
Classification: Likely benign for 2-aminoadipic 2-oxoadipic aciduria. Last evaluated: 2020-04-01. Review status: no assertion criteria provided. Collection method: clinical testing. Allele origin: maternal, paternal. Affected: yes. Not counted in ClinVar's aggregate classification.

Clinical Genetics, Academic Medical Center
Classification: Benign. Review status: no assertion criteria provided. Collection method: clinical testing. Allele origin: germline. Affected: yes. Study: VKGL Data-share Consensus. Not counted in ClinVar's aggregate classification.

Diagnostic Laboratory, Department of Genetics, University Medical Center Groningen
Classification: Likely benign. Review status: no assertion criteria provided. Collection method: clinical testing. Allele origin: germline. Affected: yes. Study: VKGL Data-share Consensus. Not counted in ClinVar's aggregate classification.